The following is an entry in ClinVar:

ClinVar aggregate classification (germline): Uncertain significance (1 of 4 stars; one submission).

Allele frequency attached by ClinVar (database versions not stated): gnomAD exomes 0.00003; TOPMed 0.00004; gnomAD 0.00005 and 0.00006; ExAC 0.00007.
gnomAD v4.1: 55 of 1,600,578 alleles (0.0034%); highest among the groups gnomAD compares: Admixed American, 0.0084%; no homozygotes.

Submission:

Labcorp Genetics (formerly Invitae), Labcorp
Classification: Uncertain significance. Last evaluated: 2025-01-06. Review status: criteria provided, single submitter. Criteria: Invitae Variant Classification Sherloc (09022015). Collection method: clinical testing. Allele origin: germline.
Comment: This sequence change replaces arginine, which is basic and polar, with cysteine, which is neutral and slightly polar, at codon 206 of the SPEG protein (p.Arg206Cys). This variant is present in population databases (rs758478780, gnomAD 0.01%). This variant has not been reported in the literature in individuals affected with SPEG-related conditions. ClinVar contains an entry for this variant (Variation ID: 1443369). An algorithm developed to predict the effect of missense changes on protein structure and function outputs the following: PolyPhen-2: "Benign". The cysteine amino acid residue is found in multiple mammalian species, which suggests that this missense change does not adversely affect protein function. In summary, the available evidence is currently insufficient to determine the role of this variant in disease. Therefore, it has been classified as a Variant of Uncertain Significance.

NM_005876.5(SPEG):c.616C>T (p.Arg206Cys)

Gene: SPEG (striated muscle enriched protein kinase; plus strand). Cytogenetic location: 2q35.
Variant type: single nucleotide variant.
Coding change: c.616C>T on transcript NM_005876.5 (MANE Select); coding-DNA position 616, C replaced by T.
Protein change: p.Arg206Cys; replaces arginine 206 with cysteine.
Molecular consequence: missense variant.
Genome position (GRCh38, 1-based): chr2:219,444,962, C>T. VCF-style: chr2-219444962-C-T. GRCh37 (hg19) VCF-style: chr2-220309684-C-T.
Other names: short protein forms R206C.
Identifiers: ClinVar variation 1443369 (VCV001443369.8), dbSNP rs758478780, ClinGen allele CA2125532.
Genomic context (GRCh38, chr2:219,444,962, plus strand): 5'-AGCTGGTGGGGCAGCGGGCAGACGGTCCTGGAGCAGGAAGCGGGCAGTGGGGGTGGCACC[C>T]GCCGCCTCCCGGGCAGCCCAAGGCAAGCACAGGCAACCGGGGCCGGGCCACGGCACCTGG-3'
Protein context (NP_005867.3, residues 196-216): EQEAGSGGGT[Arg206Cys]RLPGSPRQAQ